The following is an entry in ClinVar:

NM_182914.3(SYNE2):c.19441G>A (p.Asp6481Asn)

Gene: SYNE2 (spectrin repeat containing nuclear envelope protein 2; plus strand). Cytogenetic location: 14q23.2.
Variant type: single nucleotide variant.
Coding change: c.19441G>A on transcript NM_182914.3 (MANE Select); coding-DNA position 19441, G replaced by A.
Protein change: p.Asp6481Asn; replaces aspartic acid 6481 with asparagine.
Molecular consequence: missense variant. On other transcripts: 5 prime UTR variant (1).
Genome position (GRCh38, 1-based): chr14:64,216,286, G>A. VCF-style: chr14-64216286-G-A. GRCh37 (hg19) VCF-style: chr14-64683004-G-A.
Other names: c.19372G>A, p.Asp6458Asn (NM_015180.6); c.-36G>A (NM_182910.2); c.343G>A, p.Asp115Asn (NM_182913.4); short protein forms D6458N, D115N, D6481N.
Identifiers: ClinVar variation 1389512 (VCV001389512.8), dbSNP rs202052357, ClinGen allele CA389959480.

ClinVar aggregate classification (germline): Uncertain significance (1 of 4 stars; one submission).

Conditions:
Emery-Dreifuss muscular dystrophy 5, autosomal dominant (EDMD5). Also called: EMERY-DREIFUSS MUSCULAR DYSTROPHY 5. Identifiers: Orphanet 261, MedGen C2751805, MONDO:0013072, OMIM 612999.

gnomAD v4.1: 15 of 1,614,012 alleles (0.00093%); highest among the groups gnomAD compares: South Asian, 0.0033%; no homozygotes.

Submission:

Labcorp Genetics (formerly Invitae), Labcorp
Classification: Uncertain significance for Emery-Dreifuss muscular dystrophy 5, autosomal dominant. Last evaluated: 2021-01-26. Review status: criteria provided, single submitter. Criteria: Invitae Variant Classification Sherloc (09022015). Collection method: clinical testing. Allele origin: germline.
Comment: In summary, the available evidence is currently insufficient to determine the role of this variant in disease. Therefore, it has been classified as a Variant of Uncertain Significance. Algorithms developed to predict the effect of missense changes on protein structure and function are either unavailable or do not agree on the potential impact of this missense change (SIFT: "Tolerated"; PolyPhen-2: "Probably Damaging"; Align-GVGD: "Class C0"). This variant has not been reported in the literature in individuals with SYNE2-related conditions. This variant is not present in population databases (ExAC no frequency). This sequence change replaces aspartic acid with asparagine at codon 6481 of the SYNE2 protein (p.Asp6481Asn). The aspartic acid residue is weakly conserved and there is a small physicochemical difference between aspartic acid and asparagine.